The following is an entry in ClinVar:

ClinVar aggregate classification (germline): Pathogenic/Likely pathogenic. Review status: criteria provided, multiple submitters, no conflicts (2 of 4 stars). 2 submissions from 2 submitters: Pathogenic (1); Likely pathogenic (1). Last evaluated 2021-11-14.

Conditions:
Autosomal recessive Alport syndrome (ATS2). Also called: Alport syndrome type 2; COL4A3-Related Nephropathy; ALPORT SYNDROME 2, AUTOSOMAL RECESSIVE; COL4A4 Alport Syndrome and Thin Basement Membrane Nephropathy. Identifiers: Orphanet 63, Orphanet 88919, MedGen C4746745, MONDO:0008762, OMIM 203780.
Benign familial hematuria. Also called: thin basement membrane disease. Identifiers: MedGen C0241908, MONDO:0957317.

Submissions (2):

Fulgent Genetics
Classification: Likely pathogenic for Hematuria, benign familial, 1; Autosomal recessive Alport syndrome. Last evaluated: 2021-11-14. Review status: criteria provided, single submitter. Criteria: ACMG Guidelines, 2015. Collection method: clinical testing. Allele origin: unknown.

Labcorp Genetics (formerly Invitae), Labcorp
Classification: Pathogenic. Last evaluated: 2021-10-20. Review status: criteria provided, single submitter. Criteria: Invitae Variant Classification Sherloc (09022015). Collection method: clinical testing. Allele origin: germline.
Comment: For these reasons, this variant has been classified as Pathogenic. This variant has not been reported in the literature in individuals affected with COL4A4-related conditions. This sequence change creates a premature translational stop signal (p.Met1551Hisfs*6) in the COL4A4 gene. It is expected to result in an absent or disrupted protein product. Loss-of-function variants in COL4A4 are known to be pathogenic (PMID: 21196518, 24854265, 25307543). This variant is not present in population databases (gnomAD no frequency).

Literature cited by the submitters: PubMed 21196518 (cited by Labcorp Genetics (formerly Invitae), Labcorp); PubMed 24854265 (cited by Labcorp Genetics (formerly Invitae), Labcorp); PubMed 25307543 (cited by Labcorp Genetics (formerly Invitae), Labcorp).

NM_000092.5(COL4A4):c.4646dup (p.Met1551fs)

Gene: COL4A4 (collagen type IV alpha 4 chain; minus strand). Cytogenetic location: 2q36.3.
Variant type: Duplication.
Coding change: c.4646dup on transcript NM_000092.5 (MANE Select); coding-DNA position 4646, one base duplicated (T; older notation c.4646dupT).
Protein change: p.Met1551fs; shifts the reading frame from methionine 1551.
Molecular consequence: frameshift variant.
Genome position (GRCh38, 1-based): chr2:227,008,181, A duplicated on the plus strand (T on the coding strand, the reverse complement: COL4A4 is on the minus strand). VCF-style (leftmost placement, unchanged base first): chr2-227008180-G-GA. GRCh37 (hg19) VCF-style: chr2-227872896-G-GA.
Other names: short protein forms M1551fs.
Identifiers: ClinVar variation 1458430 (VCV001458430.7), dbSNP rs2149721718, ClinGen allele CA2573135353.
Genomic context (GRCh38, chr2:227,008,180, plus strand): 5'-GCATACCGCACAGCGGCTGACATAGGGGCGGATCGCCTCTTCAGAGAGTGGCATCATGGG[G>GA]AGGGGCGCAGCGCTGGCCAGCCAGTAGGATCTGTCGTTTCTCTGGGCATAGTGGCACACC-3'